The following is an entry in ClinVar:

ClinVar aggregate classification (germline): Uncertain significance (1 of 4 stars; one submission).

Submission:

Ambry Genetics
Classification: Uncertain significance. Last evaluated: 2025-05-19. Review status: criteria provided, single submitter. Criteria: Ambry Variant Classification Scheme 2023. Collection method: clinical testing. Allele origin: germline.
Comment: The p.P33R variant (also known as c.98C>G), located in coding exon 1 of the GFI1 gene, results from a C to G substitution at nucleotide position 98. The proline at codon 33 is replaced by arginine, an amino acid with dissimilar properties. This amino acid position is conserved. In addition, this alteration is predicted to be tolerated by in silico analysis. Based on the available evidence, the clinical significance of this variant remains unclear.

NM_005263.5(GFI1):c.98C>G (p.Pro33Arg)

Gene: GFI1 (growth factor independent 1 transcriptional repressor; minus strand). Cytogenetic location: 1p22.1.
Variant type: single nucleotide variant.
Coding change: c.98C>G on transcript NM_005263.5 (MANE Select); coding-DNA position 98, C replaced by G.
Protein change: p.Pro33Arg; replaces proline 33 with arginine.
Molecular consequence: missense variant.
Genome position (GRCh38, 1-based): chr1:92,483,390, G>C on the plus strand (C>G on the coding strand, the complement: GFI1 is on the minus strand). VCF-style: chr1-92483390-G-C. GRCh37 (hg19) VCF-style: chr1-92948947-G-C.
Other names: c.98C>G, p.Pro33Arg (NM_001127215.3, NM_001127216.3); short protein forms P33R.
Identifiers: ClinVar variation 4029427 (VCV004029427.1).